The following is an entry in ClinVar:

ClinVar aggregate classification (germline): Benign/Likely benign. Review status: criteria provided, multiple submitters, no conflicts (2 of 4 stars). 8 submissions from 8 submitters: Benign (3); Likely benign (3). 2 of the submissions do not count toward it. Last evaluated 2026-02-01.

Conditions:
Primary ciliary dyskinesia. Also called: Ciliary dyskinesia. Identifiers: Orphanet 244, MedGen C0008780, MONDO:0016575, HP:0012265.
Kartagener syndrome (CILD1). Also called: Dextrocardia bronchiectasis and sinusitis; SIEWERT SYNDROME; CILIARY DYSKINESIA, PRIMARY, 1; CILIARY DYSKINESIA, PRIMARY, 1, WITH OR WITHOUT SITUS INVERSUS; IMMOTILE CILIA SYNDROME; POLYNESIAN BRONCHIECTASIS. Identifiers: Orphanet 244, MedGen C4551906, MONDO:0009484, OMIM 244400.

Allele frequency attached by ClinVar (database versions not stated): gnomAD exomes 0.00035 and 0.00081; ExAC 0.00097; 1000 Genomes Project 30x 0.00312; 1000 Genomes Project 0.00319; gnomAD 0.00320 and 0.00348; ESP Exome Variant Server 0.00346; TOPMed 0.00361.
gnomAD v4.1: 1,012 of 1,614,132 alleles (0.063%); highest among the groups gnomAD compares: African/African-American, 1.2%; 7 homozygotes.

Submissions (8):

Labcorp Genetics (formerly Invitae), Labcorp
Classification: Benign for Primary ciliary dyskinesia. Last evaluated: 2026-02-01. Review status: criteria provided, single submitter. Criteria: Invitae Variant Classification Sherloc (09022015). Collection method: clinical testing. Allele origin: germline.

Blueprint Genetics
Classification: Likely benign. Last evaluated: 2024-10-28. Review status: criteria provided, single submitter. Criteria: ACMG Guidelines, 2015. Collection method: clinical testing. Allele origin: germline.

Illumina Laboratory Services, Illumina
Classification: Likely benign for Kartagener syndrome. Last evaluated: 2018-01-13. Review status: criteria provided, single submitter. Criteria: ICSL Variant Classification Criteria 13 December 2019. Collection method: clinical testing. Allele origin: germline.
Comment: This variant was observed in the ICSL laboratory as part of a predisposition screen in an ostensibly healthy population. It had not been previously curated by ICSL or reported in the Human Gene Mutation Database (HGMD: prior to June 1st, 2018), and was therefore a candidate for classification through an automated scoring system. Utilizing variant allele frequency, disease prevalence and penetrance estimates, and inheritance mode, an automated score was calculated to assess if this variant is too frequent to cause the disease. Based on the score and internal cut-off values, a variant classified as likely benign is not then subjected to further curation. The score for this variant resulted in a classification of likely benign for this disease.

Ambry Genetics
Classification: Benign for Primary ciliary dyskinesia. Last evaluated: 2017-02-28. Review status: criteria provided, single submitter. Criteria: Ambry Variant Classification Scheme 2023. Collection method: clinical testing. Allele origin: germline.

Laboratory for Molecular Medicine, Mass General Brigham Personalized Medicine
Classification: Benign. Last evaluated: 2013-02-21. Review status: criteria provided, single submitter. Criteria: LMM Criteria. Collection method: clinical testing. Allele origin: germline. Observed: 1 variant allele.
Comment: Thr213Thr in exon 8 of DNAI1: This variant is not expected to have clinical sign ificance because it does not alter an amino acid residue and is not located with in the splice consensus sequence. It has been identified in 1.0% (45/4406) of Af rican American chromosomes from a broad population by the NHLBI Exome Sequencing Project (dbSNP rs78865254).

Breakthrough Genomics
Classification: Likely benign. Review status: criteria provided, single submitter. Criteria: ACMG Guidelines, 2015. Collection method: not provided. Allele origin: germline. Inheritance: Autosomal recessive inheritance. Affected: yes.

Natera, Inc.
Classification: Benign for Primary ciliary dyskinesia. Last evaluated: 2020-09-16. Review status: no assertion criteria provided. Collection method: clinical testing. Allele origin: germline. Not counted in ClinVar's aggregate classification.

Counsyl
Classification: Likely benign for Kartagener syndrome. Last evaluated: 2017-07-06. Review status: no assertion criteria provided. Collection method: clinical testing. Allele origin: unknown. Not counted in ClinVar's aggregate classification.

NM_012144.4(DNAI1):c.639G>A (p.Thr213=)

Gene: DNAI1 (dynein axonemal intermediate chain 1; plus strand). Cytogenetic location: 9p13.3.
Variant type: single nucleotide variant.
Coding change: c.639G>A on transcript NM_012144.4 (MANE Select); coding-DNA position 639, G replaced by A.
Protein change: p.Thr213=; no amino-acid change (threonine 213 retained).
Molecular consequence: synonymous variant.
Genome position (GRCh38, 1-based): chr9:34,491,512, G>A. VCF-style: chr9-34491512-G-A. GRCh37 (hg19) VCF-style: chr9-34491510-G-A.
Other names: c.651G>A, p.Thr217= (NM_001281428.2).
Identifiers: ClinVar variation 226609 (VCV000226609.25), dbSNP rs78865254, ClinGen allele CA5034134.